The following is an entry in ClinVar:

NM_000419.5(ITGA2B):c.337C>T (p.Gln113Ter)

Gene: ITGA2B (integrin subunit alpha 2b; minus strand). Cytogenetic location: 17q21.31.
Variant type: single nucleotide variant.
Coding change: c.337C>T on transcript NM_000419.5 (MANE Select); coding-DNA position 337, C replaced by T.
Protein change: p.Gln113Ter; replaces glutamine 113 with a stop codon.
Molecular consequence: nonsense.
Genome position (GRCh38, 1-based): chr17:44,385,895, G>A on the plus strand (C>T on the coding strand, the complement: ITGA2B is on the minus strand). VCF-style: chr17-44385895-G-A. GRCh37 (hg19) VCF-style: chr17-42463263-G-A.
Other names: short protein forms Q113*.
Identifiers: ClinVar variation 1703867 (VCV001703867.3), dbSNP rs2510085242, ClinGen allele CA399806223.

ClinVar aggregate classification (germline): Pathogenic. Review status: reviewed by expert panel (3 of 4 stars). 2 submissions from 2 submitters: Pathogenic (1). 1 of the submissions does not count toward it. Last evaluated 2022-04-07.

Conditions:
Glanzmann thrombasthenia 1 (GT1). Also called: BLEEDING DISORDER, PLATELET-TYPE, 2; GP IIb-IIIa COMPLEX DEFICIENCY; GLYCOPROTEIN COMPLEX IIb-IIIa DEFICIENCY; PLATELET FIBRINOGEN RECEPTOR DEFICIENCY. Identifiers: MedGen CN300358, MONDO:0031332, OMIM 273800.
Glanzmann thrombasthenia. Also called: Glanzmann's thrombasthenia; THROMBASTHENIA OF GLANZMANN AND NAEGELI; PLATELET GLYCOPROTEIN IIb-IIIa DEFICIENCY; Thrombasthenia. Identifiers: Orphanet 849, MedGen C0040015, MONDO:0100326.

Submissions (2):

ClinGen Platelet Disorders Variant Curation Expert Panel, ClinGen
Classification: Pathogenic for Glanzmann thrombasthenia. Last evaluated: 2022-04-07. Review status: reviewed by expert panel. Criteria: ClinGen Platelet ACMG Specifications v2-1. Collection method: curation. Allele origin: germline. Inheritance: Autosomal recessive inheritance.
Comment: The NM_000419.5(ITGA2B):c.337C>T (p.Gln113Ter) variant in exon 3/30 is a nonsense variant predicted to lead to nonsense mediated decay in a gene in which loss-of-function is an established disease mechanism (PVS1). At least one patient (reported via personal communication with Dr. Jose Rivera, Servicio de Hematolog_x0019_ıa y Oncolog_x0019_ıa Me_x0019_dica, Hospital Universitario Morales Meseguer, Centro Regional de Hemodonacio_x0019_n, Universidad de Murcia) with this variant (in combination with c.2150T>C (p.Leu717Pro)) displayed mucocutaneous bleeding and impaired aggregation with all agonists except ristocetin, which is highly specific for Glanzmann thrombasthenia. Additionally, αIIbβ3 surface expression was absent, as measured by flow cytometry and Western blot, and ITGA2B and ITGB3 were sequenced across all exons and intron/exon boundaries (PP4_Strong). This variant is absent from gnomAD v2.1.1 (PM2_Supporting). In summary this variant meets criteria to be classified as Pathogenic for autosomal recessive Glanzmann Thrombasthenia based on the ACMG/AMP criteria applied, as specified by the ClinGen PD VCEP: PVS1, PP4_Strong, PM2_Supporting. (VCEP specifications version 2; date of approval 03/15/2022)

ISTH-SSC Genomics in Thrombosis and Hemostasis, KU Leuven, Center for Molecular and Vascular Biology
Classification: Uncertain significance for Glanzmann thrombasthenia 1. Review status: criteria provided, single submitter. Criteria: ACMG Guidelines, 2015. Collection method: clinical testing. Allele origin: germline. Affected: yes. Observed: 1 hemizygote. Not counted in ClinVar's aggregate classification.
Comment: Submitted to GoldVariant by Jose María Bastida and José Rivera; Grupo Español de Alteraciones Plaquetarias Congénitas (GEAPC)